The following is an entry in ClinVar:

ClinVar aggregate classification (germline): Pathogenic (1 of 4 stars; one submission).

Conditions:
Anauxetic dysplasia. Identifiers: Orphanet 93347, MedGen C1846796, MONDO:0011773.

Submission:

Labcorp Genetics (formerly Invitae), Labcorp
Classification: Pathogenic for Anauxetic dysplasia. Last evaluated: 2023-03-21. Review status: criteria provided, single submitter. Criteria: Invitae Variant Classification Sherloc (09022015). Collection method: clinical testing. Allele origin: germline.
Comment: For these reasons, this variant has been classified as Pathogenic. While functional studies for this variant have not been reported, experimental analyses using patient derived cells, as well as in vitro transfection studies, have shown that promoter insertions result in silencing of RMRP transcription and reduced expression of the gene product (PMID: 11207361, 16254002). While this particular variant has not been reported in the literature, it is located in the promoter region between the TATA box and the transcription initiation site, and other insertions and duplications immediately upstream of the coding sequence have been reported in individuals affected with cartilage-hair hypoplasia-anauxetic dysplasia (CHH-AD) spectrum disorders (PMID: 16244706, 11207361, 12107819). This variant is not present in population databases (gnomAD no frequency). This variant occurs in the RMRP gene, which encodes an RNA molecule that does not result in a protein product.

Literature cited by the submitters: PubMed 11207361; PubMed 16254002; PubMed 16244706; PubMed 12107819.

NC_000009.12:g.35658039_35658040insGTGAGT

Gene: RMRP (RNA component of mitochondrial RNA processing endoribonuclease; minus strand). Cytogenetic location: 9p13.3.
Variant type: Insertion.
Genome position: GRCh38 VCF-style: chr9-35658035-A-AGAGTGT. GRCh37 (hg19) VCF-style: chr9-35658032-A-AGAGTGT.
Identifiers: ClinVar variation 2848101 (VCV002848101.3), dbSNP rs1823647798, ClinGen allele CA2739269244.